The following is an entry in ClinVar:

NM_000243.3(MEFV):c.464G>C (p.Arg155Thr)

Gene: MEFV (MEFV innate immunity regulator, pyrin; minus strand). Cytogenetic location: 16p13.3.
Variant type: single nucleotide variant.
Coding change: c.464G>C on transcript NM_000243.3 (MANE Select); coding-DNA position 464, G replaced by C.
Protein change: p.Arg155Thr; replaces arginine 155 with threonine.
Molecular consequence: missense variant. On other transcripts: intron variant (1).
Genome position (GRCh38, 1-based): chr16:3,254,604, C>G on the plus strand (G>C on the coding strand, the complement: MEFV is on the minus strand). VCF-style: chr16-3254604-C-G. GRCh37 (hg19) VCF-style: chr16-3304604-C-G.
Other names: c.277+1707G>C (NM_001198536.2); short protein forms R155T.
Identifiers: ClinVar variation 132872 (VCV000132872.30), dbSNP rs483353017, ClinGen allele CA280887.
Genomic context (GRCh38, chr16:3,254,604, plus strand): 5'-GGCTTGCCCTGCGCGTCCAGGCCCTCCGAGGCCTTCTCTCTGCGTTTGCTCAGGGGCTTC[C>G]TCGACAGCCCCCTCCCGGCCTCGGGCTGGCTGCACCGCAGGCTGGCAGCTCCGCCCCCGT-3'
Protein context (NP_000234.1, residues 145-165): SQPEAGRGLS[Arg155Thr]KPLSKRREKA

ClinVar aggregate classification (germline): Uncertain significance. Review status: criteria provided, multiple submitters, no conflicts (2 of 4 stars). 4 submissions from 4 submitters: Uncertain significance (3). 1 of the submissions does not count toward it. Last evaluated 2025-12-03.

Conditions:
Familial Mediterranean fever (FMF). Also called: POLYSEROSITIS, FAMILIAL PAROXYSMAL; POLYSEROSITIS, RECURRENT; Periodic peritonitis; Benign paroxysmal peritonitis. Identifiers: Orphanet 342, MedGen C0031069, MONDO:0018088, OMIM 249100. Disease mechanism: gain of function.

Allele frequency attached by ClinVar (database versions not stated): ExAC 0.00007.

Submissions (4):

Labcorp Genetics (formerly Invitae), Labcorp
Classification: Uncertain significance for Familial Mediterranean fever. Last evaluated: 2025-12-03. Review status: criteria provided, single submitter. Criteria: Invitae Variant Classification Sherloc (09022015). Collection method: clinical testing. Allele origin: germline.
Comment: This sequence change replaces arginine, which is basic and polar, with threonine, which is neutral and polar, at codon 155 of the MEFV protein (p.Arg155Thr). This variant is present in population databases (rs483353017, gnomAD 0.05%). This missense change has been observed in individual(s) with clinical features of familial mediterranean fever (PMID: 33815380). ClinVar contains an entry for this variant (Variation ID: 132872). An algorithm developed to predict the effect of missense changes on protein structure and function (PolyPhen-2) suggests that this variant is likely to be tolerated. In summary, the available evidence is currently insufficient to determine the role of this variant in disease. Therefore, it has been classified as a Variant of Uncertain Significance.

CeGaT Center for Human Genetics Tuebingen
Classification: Uncertain significance. Last evaluated: 2023-11-01. Review status: criteria provided, single submitter. Criteria: CeGaT Center For Human Genetics Tuebingen Variant Classification Criteria Version 2. Collection method: clinical testing. Allele origin: germline. Affected: yes. Observed: 1 variant allele.
Comment: MEFV: PM2, BP4

Illumina Laboratory Services, Illumina
Classification: Uncertain significance for Familial Mediterranean fever. Last evaluated: 2023-01-19. Review status: criteria provided, single submitter. Criteria: ICSLVariantClassificationCriteria RUGD 01 April 2020. Collection method: clinical testing. Allele origin: unknown.
Comment: The MEFV c.464G>C (p.Arg155Thr) missense variant results in the substitution of arginine at amino acid position 155 with threonine. This variant has been reported in the heterozygous state in the literature in one individual with systemic autoinflammatory disease including fever, irritability, maculopapular rash, abdominal pain, and hepatomegaly (PMID: 33815380). However, no second variant in this gene was identified. The highest frequency of this allele in the Genome Aggregation Database is 0.000502 in the South Asian population (version 2.1.1). Based on the available evidence, the c.464G>C (p.Arg155Thr) variant is classified as a variant of uncertain significance for familial Mediterranean fever.

Medical Biology Lab,  Gaziantep University
No classification provided. Condition: Familial Mediterranean fever. Review status: no classification provided. Collection method: not provided. Allele origin: somatic. Not counted in ClinVar's aggregate classification.

Literature cited by the submitters: PubMed 33815380 (cited by Labcorp Genetics (formerly Invitae), Labcorp).